The following is an entry in ClinVar:

NM_000520.6(HEXA):c.1488C>G (p.Ala496=)

Gene: HEXA (hexosaminidase subunit alpha; minus strand). Cytogenetic location: 15q23.
Variant type: single nucleotide variant.
Coding change: c.1488C>G on transcript NM_000520.6 (MANE Select); coding-DNA position 1488, C replaced by G.
Protein change: p.Ala496=; no amino-acid change (alanine 496 retained).
Molecular consequence: synonymous variant. On other transcripts: non-coding transcript variant (1).
Genome position (GRCh38, 1-based): chr15:72,345,484, G>C on the plus strand (C>G on the coding strand, the complement: HEXA is on the minus strand). VCF-style: chr15-72345484-G-C. GRCh37 (hg19) VCF-style: chr15-72637825-G-C.
Other names: c.1521C>G, p.Ala507= (NM_001318825.2).
Identifiers: ClinVar variation 2168839 (VCV002168839.1), dbSNP rs1179136996, ClinGen allele CA491111366.
Genomic context (GRCh38, chr15:72,345,484, plus strand): 5'-GAAGGCCCCACAGCTTGCTTACCTCAGCAATTCACAGCGGAAGTGTGACAAACGTTCATA[G>C]GCAAATGTCAGGTCAGATGTCAACTTGTTGCTCCACAGCCTTTCGGCAACAGCCCCTGCT-3'
Protein context (NP_000511.2, residues 486-506): SNKLTSDLTF[Ala496=]YERLSHFRCE

ClinVar aggregate classification (germline): Uncertain significance (1 of 4 stars; one submission).

Conditions:
Tay-Sachs disease (TSD). Also called: GM2 gangliosidosis, type 1; Hexosaminidase alpha-subunit deficiency (variant B); Sphingolipidosis, Tay-Sachs; Hexosaminidase A Deficiency; HEXA DEFICIENCY; HEXA Disorders. Identifiers: Orphanet 845, MedGen C0039373, MONDO:0010100, OMIM 272800.

Allele frequency attached by ClinVar (database versions not stated): gnomAD exomes below 0.00001; gnomAD 0.00001; TOPMed 0.00001.
gnomAD v4.1: 5 of 1,614,114 alleles (0.00031%); highest among the groups gnomAD compares: East Asian, 0.0089%; no homozygotes.

Submission:

Labcorp Genetics (formerly Invitae), Labcorp
Classification: Uncertain significance for Tay-Sachs disease. Last evaluated: 2018-04-12. Review status: criteria provided, single submitter. Criteria: Invitae Variant Classification Sherloc (09022015). Collection method: clinical testing. Allele origin: germline.
Comment: This sequence change affects codon 496 of the HEXA mRNA. It is a 'silent' change, meaning that it does not change the encoded amino acid sequence of the HEXA protein. This variant is not present in population databases (ExAC no frequency). This variant has not been reported in the literature in individuals with HEXA-related disease. Algorithms developed to predict the effect of sequence changes on RNA splicing suggest that this variant may create or strengthen a splice site, but this prediction has not been confirmed by published transcriptional studies. In summary, the available evidence is currently insufficient to determine the role of this variant in disease. Therefore, it has been classified as a Variant of Uncertain Significance.